The following is an entry in ClinVar:

ClinVar aggregate classification (germline): Uncertain significance (1 of 4 stars; one submission).

Conditions:
Vein of Galen aneurysmal malformation (VGAM). Also called: Ectasia or varix of the vein of Galen; Galenic arteriovenous malformation; Vein of Galen aneurysm malformation; Galen vein aneurysm; Aneurysm of the vein of Galen; Vein of Galen malformation. Identifiers: Orphanet 1053, MedGen C0431420, MONDO:0015196, HP:0030713.

Submission:

Clinical Genomics Laboratory, Washington University in St. Louis
Classification: Uncertain significance for Vein of Galen malformation. Last evaluated: 2023-08-27. Review status: criteria provided, single submitter. Criteria: ACMG Guidelines, 2015. Collection method: clinical testing. Allele origin: germline.
Comment: The CLDN14:c.116_118del (p.Asn39del) variant, to our knowledge, has not been reported in the medical literature. This variant is only observed on 2/152112 in the general population (gnomAD v.3.1.2), indicating it is not a common variant. This variant is predicted to cause a change in the length of the protein due to an in-frame deletion of three nucleotides (1 amino acid) in a non-repeat region. Due to limited information, and based on ACMG/AMP guidelines for variant interpretation (Richards S et al., PMID: 25741868), this variant is classified as being uncertain significance at this time.

NM_001146079.2(CLDN14):c.116_118del (p.Asn39del)

Genes: CLDN14 (claudin 14; minus strand), CLDN14-AS1 (CLDN14 antisense RNA 1; plus strand). Cytogenetic location: 21q22.13.
Variant type: Deletion.
Coding change: c.116_118del on transcript NM_001146079.2 (MANE Select); coding-DNA positions 116 to 118, 3 bases deleted (ACA; older notation c.116_118delACA).
Protein change: p.Asn39del; deletes asparagine 39.
Molecular consequence: inframe deletion.
Genome position (GRCh38, 1-based): chr21:36,461,578-36,461,580, TGT deleted on the plus strand (ACA on the coding strand, the reverse complement: CLDN14 is on the minus strand); deleting any 3 consecutive bases within chr21:36,461,578-36,461,582 gives the same sequence; the c. name uses the placement nearest the transcript's 3' end. VCF-style (leftmost placement, unchanged base first): chr21-36461577-ATGT-A. GRCh37 (hg19) VCF-style: chr21-37833875-ATGT-A.
Other names: c.116_118del, p.Asn39del (NM_001146077.2, NM_001146078.3, NM_012130.4 and 1 more transcripts); short protein forms N39del.
Identifiers: ClinVar variation 2672099 (VCV002672099.1), dbSNP rs752639706, ClinGen allele CA10019338.